The following is an entry in ClinVar:

ClinVar aggregate classification (germline): Uncertain significance (1 of 4 stars; one submission).

Submission:

GeneDx
Classification: Uncertain significance. Last evaluated: 2025-06-26. Review status: criteria provided, single submitter. Criteria: GeneDx Variant Classification Process June 2021. Collection method: clinical testing. Allele origin: germline. Affected: yes.
Comment: Not observed at significant frequency in large population cohorts (gnomAD); In silico analysis supports that this missense variant has a deleterious effect on protein structure/function; Has not been previously published as pathogenic or benign to our knowledge

NM_170606.3(KMT2C):c.11339T>C (p.Leu3780Ser)

Gene: KMT2C (lysine methyltransferase 2C; minus strand). Cytogenetic location: 7q36.1.
Variant type: single nucleotide variant.
Coding change: c.11339T>C on transcript NM_170606.3 (MANE Select); coding-DNA position 11339, T replaced by C.
Protein change: p.Leu3780Ser; replaces leucine 3780 with serine.
Molecular consequence: missense variant.
Genome position (GRCh38, 1-based): chr7:152,162,238, A>G on the plus strand (T>C on the coding strand, the complement: KMT2C is on the minus strand). VCF-style: chr7-152162238-A-G. GRCh37 (hg19) VCF-style: chr7-151859323-A-G.
Other names: short protein forms L3780S.
Identifiers: ClinVar variation 4540105 (VCV004540105.1).